The following is an entry in ClinVar:

NM_001715.3(BLK):c.93A>G (p.Gln31=)

Gene: BLK (BLK proto-oncogene, Src family tyrosine kinase). Cytogenetic location: 8p23.1.
Variant type: single nucleotide variant.
Coding change: c.93A>G on transcript NM_001715.3 (MANE Select); coding-DNA position 93, A replaced by G.
Protein change: p.Gln31=; no amino-acid change (glutamine 31 retained).
Molecular consequence: synonymous variant. On other transcripts: intron variant (1).
Genome position (GRCh38, 1-based): chr8:11,543,317, A>G. VCF-style: chr8-11543317-A-G. GRCh37 (hg19) VCF-style: chr8-11400826-A-G.
Other names: c.-90-2735A>G (NM_001330465.2).
Identifiers: ClinVar variation 909863 (VCV000909863.5), dbSNP rs369109733, ClinGen allele CA4629658.

ClinVar aggregate classification (germline): Likely benign. Review status: criteria provided, multiple submitters, no conflicts (2 of 4 stars). 2 submissions from 2 submitters: Likely benign (2). Last evaluated 2023-11-02.

Conditions:
Maturity-onset diabetes of the young type 11. Identifiers: Orphanet 552, MedGen C3150618, MONDO:0013242, OMIM 613375.

Allele frequency attached by ClinVar (database versions not stated): gnomAD exomes 0.00010 and 0.00020; TOPMed 0.00014; gnomAD 0.00015 and 0.00016; ExAC 0.00017; ESP Exome Variant Server 0.00023.
gnomAD v4.1: 169 of 1,613,170 alleles (0.01%); highest among the groups gnomAD compares: Admixed American, 0.0083%; 1 homozygote.

Submissions (2):

Blueprint Genetics
Classification: Likely benign. Last evaluated: 2023-11-02. Review status: criteria provided, single submitter. Criteria: ACMG Guidelines, 2015. Collection method: clinical testing. Allele origin: germline.

Illumina Laboratory Services, Illumina
Classification: Likely benign for Maturity-onset diabetes of the young type 11. Last evaluated: 2018-01-13. Review status: criteria provided, single submitter. Criteria: ICSL Variant Classification Criteria 13 December 2019. Collection method: clinical testing. Allele origin: germline.
Comment: This variant was observed in the ICSL laboratory as part of a predisposition screen in an ostensibly healthy population. It had not been previously curated by ICSL or reported in the Human Gene Mutation Database (HGMD: prior to June 1st, 2018), and was therefore a candidate for classification through an automated scoring system. Utilizing variant allele frequency, disease prevalence and penetrance estimates, and inheritance mode, an automated score was calculated to assess if this variant is too frequent to cause the disease. Based on the score and internal cut-off values, a variant classified as likely benign is not then subjected to further curation. The score for this variant resulted in a classification of likely benign for this disease.